The following is an entry in ClinVar:

ClinVar aggregate classification (germline): Uncertain significance (1 of 4 stars; one submission).

Submission:

Greenwood Genetic Center Diagnostic Laboratories, Greenwood Genetic Center
Classification: Uncertain significance. Last evaluated: 2026-04-29. Review status: criteria provided, single submitter. Criteria: ACMG Guidelines, 2015. Collection method: clinical testing. Allele origin: germline.
Comment: Gene of Uncertain Significance

NM_013436.5(NCKAP1):c.923A>G (p.Glu308Gly)

Gene: NCKAP1 (NCK associated protein 1; minus strand). Cytogenetic location: 2q32.1.
Variant type: single nucleotide variant.
Coding change: c.923A>G on transcript NM_013436.5 (MANE Select); coding-DNA position 923, A replaced by G.
Protein change: p.Glu308Gly; replaces glutamic acid 308 with glycine.
Molecular consequence: missense variant.
Genome position (GRCh38, 1-based): chr2:182,989,054, T>C on the plus strand (A>G on the coding strand, the complement: NCKAP1 is on the minus strand). VCF-style: chr2-182989054-T-C. GRCh37 (hg19) VCF-style: chr2-183853782-T-C.
Other names: c.917A>G, p.Glu306Gly (NM_001437266.1); c.935A>G, p.Glu312Gly (NM_001437267.1); c.941A>G, p.Glu314Gly (NM_205842.3); short protein forms E306G, E308G, E312G, E314G.
Identifiers: ClinVar variation 4891051 (VCV004891051.1).